The following is an entry in ClinVar:

NM_001256545.2(MEGF10):c.1305+238_1305+239del

Gene: MEGF10 (multiple EGF like domains 10; plus strand). Cytogenetic location: 5q23.2.
Variant type: Deletion.
Coding change: c.1305+238_1305+239del on transcript NM_001256545.2 (MANE Select); bases 238 to 239 of the intron after coding-DNA position 1305, 2 bases deleted (AT; older notation c.1305+238_1305+239delAT).
Molecular consequence: intron variant.
Genome position (GRCh38, 1-based): chr5:127,418,050-127,418,051, AT deleted. VCF-style (leftmost placement, unchanged base first): chr5-127418049-CAT-C. GRCh37 (hg19) VCF-style: chr5-126753741-CAT-C.
Other names: c.1305+238_1305+239del (NM_032446.3, NM_001308119.2, NM_001308121.2).
Identifiers: ClinVar variation 672411 (VCV000672411.1), dbSNP rs3051621, ClinGen allele CA126947918.

ClinVar aggregate classification (germline): Likely benign (1 of 4 stars; one submission).

Allele frequency attached by ClinVar (database versions not stated): TOPMed 0.01493; gnomAD 0.01600 and 0.01839; 1000 Genomes Project 30x 0.03170; 1000 Genomes Project 0.03335.

Submission:

GeneDx
Classification: Likely benign. Last evaluated: 2018-06-18. Review status: criteria provided, single submitter. Criteria: GeneDx Variant Classification (06012015). Collection method: clinical testing. Allele origin: germline. Affected: yes.
Comment: This variant is considered likely benign or benign based on one or more of the following criteria: it is a conservative change, it occurs at a poorly conserved position in the protein, it is predicted to be benign by multiple in silico algorithms, and/or has population frequency not consistent with disease.